The following is an entry in ClinVar:

NM_001609.4(ACADSB):c.*3234C>G

Gene: ACADSB (acyl-CoA dehydrogenase short/branched chain; plus strand). Cytogenetic location: 10q26.13.
Variant type: single nucleotide variant.
Coding change: c.*3234C>G on transcript NM_001609.4 (MANE Select); 3234 bases downstream of the stop codon, C replaced by G.
Molecular consequence: 3 prime UTR variant.
Genome position (GRCh38, 1-based): chr10:123,056,999, C>G. VCF-style: chr10-123056999-C-G. GRCh37 (hg19) VCF-style: chr10-124816515-C-G.
Other names: c.*3234C>G (NM_001330174.3).
Identifiers: ClinVar variation 299143 (VCV000299143.6), dbSNP rs3763738, ClinGen allele CA10635150.
Genomic context (GRCh38, chr10:123,056,999, plus strand): 5'-CCGAAGAGATAAAGCTTACTTGACTTTCAAATGGAGAGATGATGAAAACCCACTCATTCA[C>G]TCTTTCAGAACAAAAAGACAGTCATCTGATAAGAGTATGACATGGATGAAATGCCCTACA-3'

ClinVar aggregate classification (germline): Benign. Review status: criteria provided, multiple submitters, no conflicts (2 of 4 stars). 2 submissions from 2 submitters: Benign (2). Last evaluated 2018-01-13.

Conditions:
Deficiency of 2-methylbutyryl-CoA dehydrogenase (ACADSB). Also called: 2-methylbutyryl-CoA dehydrogenase deficiency; SBCAD deficiency; 2-methylbutyric aciduria; Short branched-chain acyl-CoA dehydrogenase deficiency; 2-methylbutyrylglycinuria. Identifiers: Orphanet 79157, MedGen C1864912, MONDO:0012392, OMIM 610006, HP:0020147.

Allele frequency attached by ClinVar (database versions not stated): 1000 Genomes Project 0.96226; 1000 Genomes Project 30x 0.96377; TOPMed 0.98178; gnomAD 0.98286 and 0.98476; gnomAD exomes 0.99299.
gnomAD v4.1: 150,170 of 152,794 alleles (98%); highest among the groups gnomAD compares: Middle Eastern, 100%; 73,857 homozygotes.

Submissions (2):

Illumina Laboratory Services, Illumina
Classification: Benign for Deficiency of 2-methylbutyryl-CoA dehydrogenase. Last evaluated: 2018-01-13. Review status: criteria provided, single submitter. Criteria: ICSL Variant Classification Criteria 13 December 2019. Collection method: clinical testing. Allele origin: germline.
Comment: This variant was observed in the ICSL laboratory as part of a predisposition screen in an ostensibly healthy population. It had not been previously curated by ICSL or reported in the Human Gene Mutation Database (HGMD: prior to June 1st, 2018), and was therefore a candidate for classification through an automated scoring system. Utilizing variant allele frequency, disease prevalence and penetrance estimates, and inheritance mode, an automated score was calculated to assess if this variant is too frequent to cause the disease. Based on the score and internal cut-off values, a variant classified as benign is not then subjected to further curation. The score for this variant resulted in a classification of benign for this disease.

Breakthrough Genomics
Classification: Benign. Review status: criteria provided, single submitter. Criteria: ACMG Guidelines, 2015. Collection method: not provided. Allele origin: germline. Inheritance: Autosomal recessive inheritance. Affected: yes.